The following is an entry in ClinVar:

NM_020361.5(CPA6):c.*242T>C

Genes: ARFGEF1-DT (ARFGEF1 divergent transcript; plus strand), CPA6 (carboxypeptidase A6; minus strand). Cytogenetic location: 8q13.2.
Variant type: single nucleotide variant.
Coding change: c.*242T>C on transcript NM_020361.5 (MANE Select); 242 bases downstream of the stop codon, T replaced by C.
Molecular consequence: 3 prime UTR variant.
Genome position (GRCh38, 1-based): chr8:67,422,262, A>G on the plus strand (T>C on the coding strand, the complement: CPA6 is on the minus strand). VCF-style: chr8-67422262-A-G. GRCh37 (hg19) VCF-style: chr8-68334497-A-G.
Identifiers: ClinVar variation 363598 (VCV000363598.6), dbSNP rs527673781, ClinGen allele CA10631523.

ClinVar aggregate classification (germline): Likely benign. Review status: criteria provided, multiple submitters, no conflicts (2 of 4 stars). 2 submissions from 2 submitters: Likely benign (2). Last evaluated 2018-01-13.

Conditions:
Familial temporal lobe epilepsy 5. Identifiers: MedGen C3280730, MONDO:0013741, OMIM 614417.

Allele frequency attached by ClinVar (database versions not stated): gnomAD exomes 0.00069; 1000 Genomes Project 0.00240; 1000 Genomes Project 30x 0.00265; gnomAD 0.00448 and 0.00486; TOPMed 0.00514.
gnomAD v4.1: 830 of 361,656 alleles (0.23%); highest among the groups gnomAD compares: African/African-American, 1.6%; 9 homozygotes.

Submissions (2):

Illumina Laboratory Services, Illumina
Classification: Likely benign for Familial temporal lobe epilepsy 5. Last evaluated: 2018-01-13. Review status: criteria provided, single submitter. Criteria: ICSL Variant Classification Criteria 13 December 2019. Collection method: clinical testing. Allele origin: germline.
Comment: This variant was observed in the ICSL laboratory as part of a predisposition screen in an ostensibly healthy population. It had not been previously curated by ICSL or reported in the Human Gene Mutation Database (HGMD: prior to June 1st, 2018), and was therefore a candidate for classification through an automated scoring system. Utilizing variant allele frequency, disease prevalence and penetrance estimates, and inheritance mode, an automated score was calculated to assess if this variant is too frequent to cause the disease. Based on the score and internal cut-off values, a variant classified as likely benign is not then subjected to further curation. The score for this variant resulted in a classification of likely benign for this disease.

Breakthrough Genomics
Classification: Likely benign. Review status: criteria provided, single submitter. Criteria: ACMG Guidelines, 2015. Collection method: not provided. Allele origin: germline. Inheritance: Autosomal recessive inheritance. Affected: yes.